The following is an entry in ClinVar:

NM_001451.3(FOXF1):c.1051A>T (p.Met351Leu)

Gene: FOXF1 (forkhead box F1; plus strand). Cytogenetic location: 16q24.1.
Variant type: single nucleotide variant.
Coding change: c.1051A>T on transcript NM_001451.3 (MANE Select); coding-DNA position 1051, A replaced by T.
Protein change: p.Met351Leu; replaces methionine 351 with leucine.
Molecular consequence: missense variant.
Genome position (GRCh38, 1-based): chr16:86,512,996, A>T. VCF-style: chr16-86512996-A-T. GRCh37 (hg19) VCF-style: chr16-86546602-A-T.
Other names: short protein forms M351L.
Identifiers: ClinVar variation 3610553 (VCV003610553.2).
Genomic context (GRCh38, chr16:86,512,996, plus strand): 5'-TATCACTCGCAGTCGCCCAGCATGTGTGACCGAAAGGAGTTTGTCTTCTCTTTCAACGCC[A>T]TGGCGTCCTCTTCCATGCACTCGGCCGGCGGGGGCTCCTACTACCACCAGCAGGTCACCT-3'
Protein context (NP_001442.2, residues 341-361): RKEFVFSFNA[Met351Leu]ASSSMHSAGG

ClinVar aggregate classification (germline): Uncertain significance (1 of 4 stars; one submission).

gnomAD v4.1: 21 of 1,613,980 alleles (0.0013%); highest among the groups gnomAD compares: Non-Finnish European, 0.0017%; no homozygotes.

Submission:

Labcorp Genetics (formerly Invitae), Labcorp
Classification: Uncertain significance. Last evaluated: 2025-02-03. Review status: criteria provided, single submitter. Criteria: Invitae Variant Classification Sherloc (09022015). Collection method: clinical testing. Allele origin: germline.
Comment: This sequence change replaces methionine, which is neutral and non-polar, with leucine, which is neutral and non-polar, at codon 351 of the FOXF1 protein (p.Met351Leu). This variant is present in population databases (rs758528931, gnomAD 0.004%). This variant has not been reported in the literature in individuals affected with FOXF1-related conditions. Invitae Evidence Modeling of protein sequence and biophysical properties (such as structural, functional, and spatial information, amino acid conservation, physicochemical variation, residue mobility, and thermodynamic stability) indicates that this missense variant is not expected to disrupt FOXF1 protein function with a negative predictive value of 80%. In summary, the available evidence is currently insufficient to determine the role of this variant in disease. Therefore, it has been classified as a Variant of Uncertain Significance.